The following is an entry in ClinVar:

NM_001130144.3(LTBP3):c.298A>G (p.Thr100Ala)

Gene: LTBP3 (latent transforming growth factor beta binding protein 3; minus strand). Cytogenetic location: 11q13.1.
Variant type: single nucleotide variant.
Coding change: c.298A>G on transcript NM_001130144.3 (MANE Select); coding-DNA position 298, A replaced by G.
Protein change: p.Thr100Ala; replaces threonine 100 with alanine.
Molecular consequence: missense variant. On other transcripts: 5 prime UTR variant (1).
Genome position (GRCh38, 1-based): chr11:65,557,662, T>C on the plus strand (A>G on the coding strand, the complement: LTBP3 is on the minus strand). VCF-style: chr11-65557662-T-C. GRCh37 (hg19) VCF-style: chr11-65325133-T-C.
Other names: c.-50A>G (NM_001164266.1); c.298A>G, p.Thr100Ala (NM_021070.4); short protein forms T100A.
Identifiers: ClinVar variation 2870135 (VCV002870135.3), dbSNP rs552748040, ClinGen allele CA6101274.
Genomic context (GRCh38, chr11:65,557,662, plus strand): 5'-GCCCCCAGCCGTGCCCCCGGCCCTCACCCACGCGGAAGCCGGAGCCCGTGAGCGTGTCTG[T>C]GCTGTGGCCGTTCTCTCCGATGAGCGTCATGTTGGAGCCCTGCTGACAACTGTCCCGACA-3'
Protein context (NP_001123616.1, residues 90-110): MTLIGENGHS[Thr100Ala]DTLTGSGFRV

ClinVar aggregate classification (germline): Uncertain significance (1 of 4 stars; one submission).

Conditions:
Brachyolmia-amelogenesis imperfecta syndrome. Also called: PLATYSPONDYLY WITH AMELOGENESIS IMPERFECTA; Tooth agenesis, selective, 6; Dental anomalies and short stature. Identifiers: Orphanet 2899, MedGen C1832594, MONDO:0011018, OMIM 601216. Disease mechanism: loss of function.

Allele frequency attached by ClinVar (database versions not stated): ExAC 0.00001; gnomAD 0.00001; 1000 Genomes Project 30x 0.00016; 1000 Genomes Project 0.00020.
gnomAD v4.1: 20 of 1,611,062 alleles (0.0012%); highest among the groups gnomAD compares: East Asian, 0.04%; no homozygotes.

Submission:

Labcorp Genetics (formerly Invitae), Labcorp
Classification: Uncertain significance for Brachyolmia-amelogenesis imperfecta syndrome. Last evaluated: 2023-10-03. Review status: criteria provided, single submitter. Criteria: Invitae Variant Classification Sherloc (09022015). Collection method: clinical testing. Allele origin: germline.
Comment: This sequence change replaces threonine, which is neutral and polar, with alanine, which is neutral and non-polar, at codon 100 of the LTBP3 protein (p.Thr100Ala). This variant is present in population databases (rs552748040, gnomAD 0.006%). This variant has not been reported in the literature in individuals affected with LTBP3-related conditions. Algorithms developed to predict the effect of missense changes on protein structure and function output the following: SIFT: "Not Available"; PolyPhen-2: "Benign"; Align-GVGD: "Not Available". The alanine amino acid residue is found in multiple mammalian species, which suggests that this missense change does not adversely affect protein function. In summary, the available evidence is currently insufficient to determine the role of this variant in disease. Therefore, it has been classified as a Variant of Uncertain Significance.